The following is an entry in ClinVar:

ClinVar aggregate classification (germline): Likely pathogenic (1 of 4 stars; one submission).

Conditions:
TCF4-related disorder. Also called: TCF4-related condition.

Submission:

PreventionGenetics, part of Exact Sciences
Classification: Likely pathogenic for TCF4-related condition. Last evaluated: 2023-02-20. Review status: criteria provided, single submitter. Criteria: ACMG Guidelines, 2015. Collection method: clinical testing. Allele origin: germline.
Comment: The TCF4 c.1763delT variant is predicted to result in a frameshift and premature protein termination (p.Phe588Serfs*22). To our knowledge, this variant has not been reported in the literature or in a large population database, indicating this variant is rare. Frameshift variants in TCF4 are expected to be pathogenic. This variant is interpreted as likely pathogenic.

NM_001083962.2(TCF4):c.1763del (p.Phe588fs)

Gene: TCF4 (transcription factor 4; minus strand). Cytogenetic location: 18q21.2.
Variant type: Deletion.
Coding change: c.1763del on transcript NM_001083962.2 (MANE Select); coding-DNA position 1763, one base deleted (T; older notation c.1763delT).
Protein change: p.Phe588fs; shifts the reading frame from phenylalanine 588.
Molecular consequence: frameshift variant.
Genome position (GRCh38, 1-based): chr18:55,228,963, A deleted on the plus strand (T on the coding strand, the reverse complement: TCF4 is on the minus strand); the first of 3 consecutive A bases (chr18:55,228,963-55,228,965); deleting any one gives the same sequence. VCF-style (leftmost placement, unchanged base first): chr18-55228962-GA-G. GRCh37 (hg19) VCF-style: chr18-52896193-GA-G.
Other names: c.2069del, p.Phe690fs (NM_001243226.3); c.1691del, p.Phe564fs (NM_001243227.2, NM_001348217.1, NM_001348218.2 and 1 more transcripts); c.1781del, p.Phe594fs (NM_001243228.2); c.1742del, p.Phe581fs (NM_001243230.2); c.1625del, p.Phe542fs (NM_001243231.2); c.1550del, p.Phe517fs (NM_001243232.1); c.1361del, p.Phe454fs (NM_001243233.2, NM_001348212.2); c.1283del, p.Phe428fs (NM_001243234.2, NM_001348216.2); and 14 more; short protein forms F372fs, F423fs, F424fs, F428fs, F454fs, F458fs, F513fs, F517fs.
Identifiers: ClinVar variation 2630143 (VCV002630143.1), dbSNP rs2511498290, ClinGen allele CA2695200396.
Genomic context (GRCh38, chr18:55,228,962, plus strand): 5'-GAGCTTGGTCTGGGGCTTGTCACTCTTGAGGTGGAGCTGCACCATGCGGCCGAGCTCTTT[GA>G]AAGCCTCGTTGATGTCACGGACCCGCAGACGCTCTCGGGCATTGTTGGCCATCCTCCGCT-3'